The following is an entry in ClinVar:

ClinVar aggregate classification (germline): Uncertain significance (1 of 4 stars; one submission).

Conditions:
Progressive familial heart block type IB (PFHB1B). Identifiers: Orphanet 871, MedGen C1970298, MONDO:0011474, OMIM 604559.

Allele frequency attached by ClinVar (database versions not stated): gnomAD 0.00001.

Submission:

Labcorp Genetics (formerly Invitae), Labcorp
Classification: Uncertain significance for Progressive familial heart block type IB. Last evaluated: 2022-09-02. Review status: criteria provided, single submitter. Criteria: Invitae Variant Classification Sherloc (09022015). Collection method: clinical testing. Allele origin: germline.
Comment: This variant has not been reported in the literature in individuals affected with TRPM4-related conditions. In summary, the available evidence is currently insufficient to determine the role of this variant in disease. Therefore, it has been classified as a Variant of Uncertain Significance. Variants that disrupt the consensus splice site are a relatively common cause of aberrant splicing (PMID: 17576681, 9536098). Algorithms developed to predict the effect of sequence changes on RNA splicing suggest that this variant may disrupt the consensus splice site. This variant is not present in population databases (gnomAD no frequency). This sequence change falls in intron 11 of the TRPM4 gene. It does not directly change the encoded amino acid sequence of the TRPM4 protein. It affects a nucleotide within the consensus splice site.

Literature cited by the submitters: PubMed 17576681; PubMed 9536098.

NM_017636.4(TRPM4):c.1608+4A>G

Gene: TRPM4 (transient receptor potential cation channel subfamily M member 4; plus strand). Cytogenetic location: 19q13.33.
Variant type: single nucleotide variant.
Coding change: c.1608+4A>G on transcript NM_017636.4 (MANE Select); 4 bases into the intron after coding-DNA position 1608, A replaced by G.
Molecular consequence: intron variant.
Genome position (GRCh38, 1-based): chr19:49,182,926, A>G. VCF-style: chr19-49182926-A-G. GRCh37 (hg19) VCF-style: chr19-49686183-A-G.
Other names: c.-1+59A>G (NM_001321282.2); c.1263+4A>G (NM_001321281.2); c.1086+4A>G (NM_001321283.2); c.546+4A>G (NM_001321285.2); c.1608+4A>G (NM_001195227.2).
Identifiers: ClinVar variation 2028536 (VCV002028536.4), dbSNP rs1968046230, ClinGen allele CA996674266.